The following is an entry in ClinVar:

NM_014633.5(CTR9):c.2719G>A (p.Gly907Ser)

Gene: CTR9 (CTR9 component of Paf1/RNA polymerase II complex; plus strand). Cytogenetic location: 11p15.4.
Variant type: single nucleotide variant.
Coding change: c.2719G>A on transcript NM_014633.5 (MANE Select); coding-DNA position 2719, G replaced by A.
Protein change: p.Gly907Ser; replaces glycine 907 with serine.
Molecular consequence: missense variant.
Genome position (GRCh38, 1-based): chr11:10,773,265, G>A. VCF-style: chr11-10773265-G-A. GRCh37 (hg19) VCF-style: chr11-10794812-G-A.
Other names: c.2647G>A, p.Gly883Ser (NM_001346279.2); short protein forms G883S, G907S.
Identifiers: ClinVar variation 2093667 (VCV002093667.4), dbSNP rs2539390710, ClinGen allele CA379677018.

ClinVar aggregate classification (germline): Uncertain significance (1 of 4 stars; one submission).

Submission:

Labcorp Genetics (formerly Invitae), Labcorp
Classification: Uncertain significance. Last evaluated: 2022-08-31. Review status: criteria provided, single submitter. Criteria: Invitae Variant Classification Sherloc (09022015). Collection method: clinical testing. Allele origin: germline.
Comment: This variant has not been reported in the literature in individuals affected with CTR9-related conditions. This variant is not present in population databases (gnomAD no frequency). This sequence change replaces glycine, which is neutral and non-polar, with serine, which is neutral and polar, at codon 907 of the CTR9 protein (p.Gly907Ser). Algorithms developed to predict the effect of missense changes on protein structure and function output the following: SIFT: "Tolerated"; PolyPhen-2: "Probably Damaging"; Align-GVGD: "Class C0". The serine amino acid residue is found in multiple mammalian species, which suggests that this missense change does not adversely affect protein function. In summary, the available evidence is currently insufficient to determine the role of this variant in disease. Therefore, it has been classified as a Variant of Uncertain Significance.